The following is an entry in ClinVar:

NM_153646.4(SLC24A4):c.501C>T (p.Asp167=)

Gene: SLC24A4 (solute carrier family 24 member 4; plus strand). Cytogenetic location: 14q32.12.
Variant type: single nucleotide variant.
Coding change: c.501C>T on transcript NM_153646.4 (MANE Select); coding-DNA position 501, C replaced by T.
Protein change: p.Asp167=; no amino-acid change (aspartic acid 167 retained).
Molecular consequence: synonymous variant.
Genome position (GRCh38, 1-based): chr14:92,442,735, C>T. VCF-style: chr14-92442735-C-T. GRCh37 (hg19) VCF-style: chr14-92909079-C-T.
Other names: c.501C>T, p.Asp167= (NM_001378620.1, NM_001425254.1, NM_153647.4); c.309C>T, p.Asp103= (NM_153648.4).
Identifiers: ClinVar variation 3352916 (VCV003352916.1).

ClinVar aggregate classification (germline): Likely benign (0 of 4 stars; one submission).

Conditions:
SLC24A4-related disorder. Also called: SLC24A4-related condition.

gnomAD v4.1: 18 of 1,613,898 alleles (0.0011%); highest among the groups gnomAD compares: Middle Eastern, 0.033%; no homozygotes.

Submission:

PreventionGenetics, part of Exact Sciences
Classification: Likely benign for SLC24A4-related condition. Last evaluated: 2019-02-21. Review status: no assertion criteria provided. Collection method: clinical testing. Allele origin: germline.
Comment: This variant is classified as likely benign based on ACMG/AMP sequence variant interpretation guidelines (Richards et al. 2015 PMID: 25741868, with internal and published modifications).